The following is an entry in ClinVar:

NM_001394998.1(TANC2):c.5299G>T (p.Ala1767Ser)

Gene: TANC2 (tetratricopeptide repeat, ankyrin repeat and coiled-coil containing 2; plus strand). Cytogenetic location: 17q23.3.
Variant type: single nucleotide variant.
Coding change: c.5299G>T on transcript NM_001394998.1 (MANE Select); coding-DNA position 5299, G replaced by T.
Protein change: p.Ala1767Ser; replaces alanine 1767 with serine.
Molecular consequence: missense variant.
Genome position (GRCh38, 1-based): chr17:63,421,029, G>T. VCF-style: chr17-63421029-G-T. GRCh37 (hg19) VCF-style: chr17-61498390-G-T.
Other names: c.5077G>T, p.Ala1693Ser (NM_001411076.1); c.5047G>T, p.Ala1683Ser (NM_025185.4); short protein forms A1683S, A1693S, A1767S.
Identifiers: ClinVar variation 3383381 (VCV003383381.1).

ClinVar aggregate classification (germline): Uncertain significance (1 of 4 stars; one submission).

Conditions:
Intellectual developmental disorder with autistic features and language delay, with or without seizures. Identifiers: MedGen C5394447, MONDO:0030051, OMIM 618906.

Submission:

Genetics Department, Catlab
Classification: Uncertain significance for Intellectual developmental disorder with autistic features and language delay, with or without seizures. Last evaluated: 2024-10-15. Review status: criteria provided, single submitter. Criteria: ACMG Guidelines, 2015. Collection method: clinical testing. Allele origin: germline. Affected: yes. Observed: 1 variant allele.
Comment: The c.5047G>T variant in the TANC2 gene has not been previously reported in patients to our knowledge and is absent from gnomAD 4.0 (PM2). The REVEL score is de 0.074 (BP4_moderate). With all the available evidence, the variant is classified as of unknown significance.